The following is an entry in ClinVar:

ClinVar aggregate classification (germline): Conflicting classifications of pathogenicity. Review status: criteria provided, conflicting classifications (1 of 4 stars). 3 submissions from 3 submitters: Likely pathogenic (2); Uncertain significance (1). Last evaluated 2025-12-10.

Conditions:
Hereditary cancer-predisposing syndrome. Also called: Tumor predisposition; Hereditary neoplastic syndrome; Neoplastic Syndromes, Hereditary; Hereditary Cancer Syndrome. Identifiers: Orphanet 140162, MedGen C0027672, MeSH D009386, MONDO:0015356.

Submissions (3):

Dasa
Classification: Likely pathogenic. Last evaluated: 2025-12-10. Review status: criteria provided, single submitter. Criteria: DASA Assertion Criteria. Collection method: clinical testing. Allele origin: germline.
Comment: NM_002528.7(NTHL1):c.792-2A>G affects a canonical splice site and is predicted to disrupt normal RNA splicing. Loss of function is an established disease mechanism for NTHL1-associated disorders. Also, this variant is absent from population databases. Based on the currently available evidence, this variant is classified as likely pathogenic.

Labcorp Genetics (formerly Invitae), Labcorp
Classification: Uncertain significance. Last evaluated: 2025-10-31. Review status: criteria provided, single submitter. Criteria: Invitae Variant Classification Sherloc (09022015). Collection method: clinical testing. Allele origin: germline.
Comment: This sequence change affects an acceptor splice site in intron 5 of the NTHL1 gene. While this variant is not anticipated to result in nonsense mediated decay, it likely alters RNA splicing and results in a disrupted protein product. This variant is not present in population databases (gnomAD no frequency). This variant has not been reported in the literature in individuals affected with NTHL1-related conditions. ClinVar contains an entry for this variant (Variation ID: 1421571). Variants that disrupt the consensus splice site are a relatively common cause of aberrant splicing (PMID: 17576681, 9536098). Studies have shown that disruption of this splice site is associated with inconclusive levels of altered splicing (internal data). In summary, the available evidence is currently insufficient to determine the role of this variant in disease. Therefore, it has been classified as a Variant of Uncertain Significance.

Ambry Genetics
Classification: Likely pathogenic for Hereditary cancer-predisposing syndrome. Last evaluated: 2025-03-13. Review status: criteria provided, single submitter. Criteria: Ambry Variant Classification Scheme 2023. Collection method: clinical testing. Allele origin: germline.
Comment: The c.816-2A>G intronic variant results from an A to G substitution two nucleotides upstream from coding exon 6 in the NTHL1 gene. Alterations that disrupt the canonical splice site are expected to result in aberrant splicing. In silico splice site analysis predicts that this alteration will weaken the native splice acceptor site. The resulting transcript is predicted to be in-frame and is not expected to trigger nonsense-mediated mRNAdecay; however, direct evidence is unavailable. The exact functional effect of the altered amino acid sequence is unknown; however, the impacted region is critical for protein function (Ambry internal data). This variant is considered to be rare based on population cohorts in the Genome Aggregation Database (gnomAD). This nucleotide position is highly conserved in available vertebrate species. Based on the majority of available evidence to date, this variant is likely to be pathogenic.

Literature cited by the submitters: PubMed 17576681 (cited by Labcorp Genetics (formerly Invitae), Labcorp); PubMed 9536098 (cited by Labcorp Genetics (formerly Invitae), Labcorp).

NM_002528.7(NTHL1):c.792-2A>G

Gene: NTHL1 (nth like DNA glycosylase 1; minus strand). Cytogenetic location: 16p13.3.
Variant type: single nucleotide variant.
Coding change: c.792-2A>G on transcript NM_002528.7 (MANE Select); the canonical splice acceptor site of the intron before coding-DNA position 792, A replaced by G.
Molecular consequence: splice acceptor variant.
Genome position (GRCh38, 1-based): chr16:2,040,049, T>C on the plus strand (A>G on the coding strand, the complement: NTHL1 is on the minus strand). VCF-style: chr16-2040049-T-C. GRCh37 (hg19) VCF-style: chr16-2090050-T-C.
Other names: c.462-2A>G (NM_001318194.2); c.621-2A>G (NM_001318193.2).
Identifiers: ClinVar variation 1421571 (VCV001421571.11), dbSNP rs2150937989, ClinGen allele CA394287668.